The following is an entry in ClinVar:

NM_004174.4(SLC9A3):c.445G>A (p.Val149Met)

Gene: SLC9A3 (solute carrier family 9 member A3). Cytogenetic location: 5p15.33.
Variant type: single nucleotide variant.
Coding change: c.445G>A on transcript NM_004174.4 (MANE Select); coding-DNA position 445, G replaced by A.
Protein change: p.Val149Met; replaces valine 149 with methionine.
Molecular consequence: missense variant.
Genome position (GRCh38, 1-based): chr5:491,838, C>T on the plus strand (G>A on the coding strand, the complement: SLC9A3 is on the minus strand). VCF-style: chr5-491838-C-T. GRCh37 (hg19) VCF-style: chr5-491953-C-T.
Other names: c.445G>A, p.Val149Met (NM_001284351.3); short protein forms V149M.
Identifiers: ClinVar variation 2754916 (VCV002754916.3), dbSNP rs139970401, ClinGen allele CA3176336.

ClinVar aggregate classification (germline): Conflicting classifications of pathogenicity. Review status: criteria provided, conflicting classifications (1 of 4 stars). 2 submissions from 2 submitters: Uncertain significance (1); Likely benign (1). Last evaluated 2025-11-26.

Conditions:
Congenital secretory sodium diarrhea 8. Identifiers: Orphanet 103908, MedGen C5441928, MONDO:0014808, OMIM 616868.

Allele frequency attached by ClinVar (database versions not stated): ESP Exome Variant Server 0.00008; ExAC 0.00006.
gnomAD v4.1: 20 of 1,600,170 alleles (0.0012%); highest among the groups gnomAD compares: Middle Eastern, 0.016%; no homozygotes.

Submissions (2):

Labcorp Genetics (formerly Invitae), Labcorp
Classification: Uncertain significance. Last evaluated: 2025-11-26. Review status: criteria provided, single submitter. Criteria: Invitae Variant Classification Sherloc (09022015). Collection method: clinical testing. Allele origin: germline.
Comment: This sequence change replaces valine, which is neutral and non-polar, with methionine, which is neutral and non-polar, at codon 149 of the SLC9A3 protein (p.Val149Met). This variant is present in population databases (rs139970401, gnomAD 0.006%). This variant has not been reported in the literature in individuals affected with SLC9A3-related conditions. ClinVar contains an entry for this variant (Variation ID: 2754916). Invitae Evidence Modeling of protein sequence and biophysical properties (such as structural, functional, and spatial information, amino acid conservation, physicochemical variation, residue mobility, and thermodynamic stability) indicates that this missense variant is not expected to disrupt SLC9A3 protein function with a negative predictive value of 80%. In summary, the available evidence is currently insufficient to determine the role of this variant in disease. Therefore, it has been classified as a Variant of Uncertain Significance.

3billion
Classification: Likely benign for Congenital secretory sodium diarrhea 8. Last evaluated: 2024-09-20. Review status: criteria provided, single submitter. Criteria: ACMG Guidelines, 2015. Collection method: clinical testing. Allele origin: germline. Affected: no.
Comment: The homozygous variant was found in patients diagnosed with another variant in a different gene, with no symptoms related to the gene containing the homozygous variant.